The following is an entry in ClinVar:

ClinVar aggregate classification (germline): Uncertain significance (1 of 4 stars; one submission).

Submission:

GeneDx
Classification: Uncertain significance. Last evaluated: 2025-03-29. Review status: criteria provided, single submitter. Criteria: GeneDx Variant Classification Process June 2021. Collection method: clinical testing. Allele origin: germline. Affected: yes.
Comment: Not observed at significant frequency in large population cohorts (gnomAD); In silico analysis indicates that this missense variant does not alter protein structure/function; Has not been previously published as pathogenic or benign to our knowledge

NM_015271.5(TRIM2):c.718A>G (p.Lys240Glu)

Gene: TRIM2 (tripartite motif containing 2; plus strand). Cytogenetic location: 4q31.3.
Variant type: single nucleotide variant.
Coding change: c.718A>G on transcript NM_015271.5 (MANE Select); coding-DNA position 718, A replaced by G.
Protein change: p.Lys240Glu; replaces lysine 240 with glutamic acid.
Molecular consequence: missense variant. On other transcripts: intron variant (2).
Genome position (GRCh38, 1-based): chr4:153,294,417, A>G. VCF-style: chr4-153294417-A-G. GRCh37 (hg19) VCF-style: chr4-154215569-A-G.
Other names: c.637A>G, p.Lys213Glu (NM_001375513.1, NM_001375514.1, NM_001375515.1 and 10 more transcripts); c.379A>G, p.Lys127Glu (NM_001375522.1, NM_001375523.1, NM_001375525.1); c.718A>G, p.Lys240Glu (NM_001438618.1, NM_001375490.1); c.691A>G, p.Lys231Glu (NM_001351054.2); c.688A>G, p.Lys230Glu (NM_001351055.2); c.262A>G, p.Lys88Glu (NM_001351057.2); c.811A>G, p.Lys271Glu (NM_001375488.1); c.808A>G, p.Lys270Glu (NM_001375489.1); and 3 more; short protein forms K127E, K213E, K230E, K231E, K239E, K240E, K270E, K271E.
Identifiers: ClinVar variation 4278776 (VCV004278776.1).